The following is an entry in ClinVar:

NM_007194.4(CHEK2):c.1296T>C (p.Thr432=)

Gene: CHEK2 (checkpoint kinase 2; minus strand). Cytogenetic location: 22q12.1.
Variant type: single nucleotide variant.
Coding change: c.1296T>C on transcript NM_007194.4 (MANE Select); coding-DNA position 1296, T replaced by C.
Protein change: p.Thr432=; no amino-acid change (threonine 432 retained).
Molecular consequence: synonymous variant.
Genome position (GRCh38, 1-based): chr22:28,695,206, A>G on the plus strand (T>C on the coding strand, the complement: CHEK2 is on the minus strand). VCF-style: chr22-28695206-A-G. GRCh37 (hg19) VCF-style: chr22-29091194-A-G.
Other names: c.1425T>C, p.Thr475= (NM_001005735.3); c.633T>C, p.Thr211= (NM_001257387.3); c.1095T>C, p.Thr365= (NM_001349956.3); c.1209T>C, p.Thr403= (NM_145862.3).
Identifiers: ClinVar variation 1552038 (VCV001552038.10), dbSNP rs2145795034, ClinGen allele CA513944832.

ClinVar aggregate classification (germline): Benign/Likely benign. Review status: criteria provided, multiple submitters, no conflicts (2 of 4 stars). 2 submissions from 2 submitters: Benign (1); Likely benign (1). Last evaluated 2024-10-07.

Conditions:
Familial cancer of breast. Also called: BREAST CANCER, FAMILIAL; hereditary breast carcinoma; Hereditary breast cancer. Identifiers: Orphanet 227535, MedGen C0346153, MONDO:0016419, OMIM 114480. Disease mechanism: loss of function.

Submissions (2):

Myriad Genetics, Inc.
Classification: Benign for Familial cancer of breast. Last evaluated: 2024-10-07. Review status: criteria provided, single submitter. Criteria: Myriad Autosomal Dominant, Autosomal Recessive and X-Linked Classification Criteria (2023). Collection method: clinical testing. Allele origin: unknown.
Comment: This variant is considered benign. This variant is a silent/synonymous amino acid change and it is not expected to impact splicing.

Labcorp Genetics (formerly Invitae), Labcorp
Classification: Likely benign for Familial cancer of breast. Last evaluated: 2022-01-28. Review status: criteria provided, single submitter. Criteria: Invitae Variant Classification Sherloc (09022015). Collection method: clinical testing. Allele origin: germline.